The following is an entry in ClinVar:

ClinVar aggregate classification (germline): Benign/Likely benign. Review status: criteria provided, multiple submitters, no conflicts (2 of 4 stars). 5 submissions from 5 submitters: Benign (1); Likely benign (4). Last evaluated 2025-11-03.

Conditions:
Atrial septal defect 5 (ASD5). Identifiers: Orphanet 1478, MedGen C2748552, MONDO:0013011, OMIM 612794.
Dilated cardiomyopathy 1R (CMD1R). Identifiers: Orphanet 154, Orphanet 54260, MedGen C3150681, MONDO:0013261, OMIM 613424.
Hypertrophic cardiomyopathy 11. Also called: ACTC1-Related Familial Hypertrophic Cardiomyopathy. Identifiers: MedGen C2677506, MONDO:0012799, OMIM 612098.
Cardiomyopathy (CMYO). Also called: Cardiomyopathies. Identifiers: Orphanet 167848, MedGen C0878544, MONDO:0004994, HP:0001638. Inheritance: Various modes of inheritance.
Hypertrophic cardiomyopathy. Also called: HYPERTROPHIC MYOCARDIOPATHY. Identifiers: Orphanet 217569, MedGen C0007194, MeSH D002312, MONDO:0005045, HP:0001639.

gnomAD v4.1: 19 of 1,614,030 alleles (0.0012%); highest among the groups gnomAD compares: Non-Finnish European, 0.0015%; no homozygotes.

Submissions (5):

Labcorp Genetics (formerly Invitae), Labcorp
Classification: Likely benign for Dilated cardiomyopathy 1R; Hypertrophic cardiomyopathy 11; Atrial septal defect 5. Last evaluated: 2025-11-03. Review status: criteria provided, single submitter. Criteria: Invitae Variant Classification Sherloc (09022015). Collection method: clinical testing. Allele origin: germline.

All of Us Research Program, National Institutes of Health
Classification: Likely benign for Hypertrophic cardiomyopathy. Last evaluated: 2023-05-04. Review status: criteria provided, single submitter. Criteria: ACMG Guidelines, 2015. Collection method: clinical testing. Allele origin: germline. Inheritance: Autosomal dominant inheritance. Observed: 1 variant allele, 1 heterozygote.
Comment: This study involves interpretation of variants in research participants for the purpose of population health screening. Participant phenotype was not available at the time of variant classification. Additional details can be found in publication PMID: 35346344, PMCID: PMC8962531

Color Diagnostics, LLC DBA Color Health
Classification: Likely benign for Cardiomyopathy. Last evaluated: 2019-01-07. Review status: criteria provided, single submitter. Criteria: ACMG Guidelines, 2015. Collection method: clinical testing. Allele origin: germline.

GeneDx
Classification: Benign. Last evaluated: 2015-03-03. Review status: criteria provided, single submitter. Criteria: GeneDx Variant Classification Process June 2021. Collection method: clinical testing. Allele origin: germline. Affected: yes.

Breakthrough Genomics
Classification: Likely benign. Review status: criteria provided, single submitter. Criteria: ACMG Guidelines, 2015. Collection method: not provided. Allele origin: germline. Inheritance: Autosomal dominant inheritance. Affected: yes.

NM_005159.5(ACTC1):c.537T>C (p.Arg179=)

Genes: GJD2-DT (GJD2 divergent transcript; plus strand), ACTC1 (actin alpha cardiac muscle 1; minus strand). Cytogenetic location: 15q14.
Variant type: single nucleotide variant.
Coding change: c.537T>C on transcript NM_005159.5 (MANE Select); coding-DNA position 537, T replaced by C.
Protein change: p.Arg179=; no amino-acid change (arginine 179 retained).
Molecular consequence: synonymous variant.
Genome position (GRCh38, 1-based): chr15:34,792,487, A>G on the plus strand (T>C on the coding strand, the complement: ACTC1 is on the minus strand). VCF-style: chr15-34792487-A-G. GRCh37 (hg19) VCF-style: chr15-35084688-A-G.
Identifiers: ClinVar variation 925192 (VCV000925192.6), dbSNP rs750131288, ClinGen allele CA042068.
Genomic context (GRCh38, chr15:34,792,487, plus strand): 5'-GCCACGCTCAGTGAGGATCTTCATGAGGTAGTCAGTGAGGTCCCGACCAGCCAGATCCAG[A>G]CGCATGATGGCATGGGGCAAAGCGTAGCCCTCATAGATGGGGACATTGTGAGTTACACCA-3'
Protein context (NP_005150.1, residues 169-189): EGYALPHAIM[Arg179=]LDLAGRDLTD